The following is an entry in ClinVar:

ClinVar aggregate classification (germline): Uncertain significance. Review status: criteria provided, multiple submitters, no conflicts (2 of 4 stars). 2 submissions from 2 submitters: Uncertain significance (2). Last evaluated 2025-06-16.

Conditions:
Epileptic encephalopathy. Identifiers: MedGen C0543888, HP:0200134.

Submissions (2):

GeneDx
Classification: Uncertain significance. Last evaluated: 2025-06-16. Review status: criteria provided, single submitter. Criteria: GeneDx Variant Classification Process June 2021. Collection method: clinical testing. Allele origin: germline. Affected: yes.
Comment: Not observed at significant frequency in large population cohorts (gnomAD); In-frame duplication of 3 amino acids in a non-repeat region; Has not been previously published as pathogenic or benign to our knowledge

Labcorp Genetics (formerly Invitae), Labcorp
Classification: Uncertain significance for Epileptic encephalopathy. Last evaluated: 2024-02-07. Review status: criteria provided, single submitter. Criteria: Invitae Variant Classification Sherloc (09022015). Collection method: clinical testing. Allele origin: germline.
Comment: This variant, c.26_34dup, results in the insertion of 3 amino acid(s) of the GABBR2 protein (p.Gln9_Gly11dup), but otherwise preserves the integrity of the reading frame. The frequency data for this variant in the population databases is considered unreliable, as metrics indicate insufficient coverage at this position in the gnomAD database. This variant has not been reported in the literature in individuals affected with GABBR2-related conditions. In summary, the available evidence is currently insufficient to determine the role of this variant in disease. Therefore, it has been classified as a Variant of Uncertain Significance.

NM_005458.8(GABBR2):c.26_34dup (p.Gly11_Pro12insGlnProGly)

Gene: GABBR2 (gamma-aminobutyric acid type B receptor subunit 2; minus strand). Cytogenetic location: 9q22.33.
Variant type: Duplication.
Coding change: c.26_34dup on transcript NM_005458.8 (MANE Select); coding-DNA positions 26 to 34, 9 bases duplicated (AGCCCGGGC; older notation c.26_34dupAGCCCGGGC).
Protein change: p.Gly11_Pro12insGlnProGly.
Genome position (GRCh38, 1-based): chr9:98,708,704-98,708,712, GCCCGGGCT duplicated on the plus strand (AGCCCGGGC on the coding strand, the reverse complement: GABBR2 is on the minus strand); duplicating any 9 consecutive bases within chr9:98,708,704-98,708,718 gives the same sequence; the c. name uses the placement nearest the transcript's 3' end. VCF-style (leftmost placement, unchanged base first): chr9-98708703-G-GGCCCGGGCT. GRCh37 (hg19) VCF-style: chr9-101470985-G-GGCCCGGGCT.
Other names: c.26_34dup (NM_005458.7).
Identifiers: ClinVar variation 3674273 (VCV003674273.3).